The following is an entry in ClinVar:

NM_130384.3(ATRIP):c.2252T>A (p.Val751Glu)

Genes: ATRIP (ATR interacting protein; plus strand), ATRIP-TREX1 (ATRIP-TREX1 readthrough; plus strand). Cytogenetic location: 3p21.31.
Variant type: single nucleotide variant.
Coding change: c.2252T>A on transcript NM_130384.3 (MANE Select); coding-DNA position 2252, T replaced by A.
Protein change: p.Val751Glu; replaces valine 751 with glutamic acid.
Molecular consequence: missense variant. On other transcripts: non-coding transcript variant (1).
Genome position (GRCh38, 1-based): chr3:48,465,027, T>A. VCF-style: chr3-48465027-T-A. GRCh37 (hg19) VCF-style: chr3-48506426-T-A.
Other names: c.1871T>A, p.Val624Glu (NM_001271022.2); c.1973T>A, p.Val658Glu (NM_001271023.2); c.2171T>A, p.Val724Glu (NM_032166.4); short protein forms V724E, V624E, V751E, V658E.
Identifiers: ClinVar variation 5032405 (VCV005032405.1).

ClinVar aggregate classification (germline): Uncertain significance (1 of 4 stars; one submission).

Submission:

Ambry Genetics
Classification: Uncertain significance. Last evaluated: 2026-06-17. Review status: criteria provided, single submitter. Criteria: Ambry Variant Classification Scheme 2023. Collection method: clinical testing. Allele origin: germline.
Comment: The p.V751E variant (also known as c.2252T>A), located in coding exon 12 of the ATRIP gene, results from a T to A substitution at nucleotide position 2252. The valine at codon 751 is replaced by glutamic acid, an amino acid with dissimilar properties. This amino acid position is conserved. In addition, this alteration is predicted to be deleterious by in silico analysis. Based on the available evidence, the clinical significance of this variant remains unclear.